The following is an entry in ClinVar:

NM_007373.4(SHOC2):c.493_494del (p.Ser164_Leu165insTer)

Gene: SHOC2 (SHOC2 leucine rich repeat scaffold protein; plus strand). Cytogenetic location: 10q25.2.
Variant type: Microsatellite.
Coding change: c.493_494del on transcript NM_007373.4 (MANE Select); coding-DNA positions 493 to 494, 2 bases deleted (CT; older notation c.493_494delCT).
Protein change: p.Ser164_Leu165insTer.
Molecular consequence: nonsense.
Genome position (GRCh38, 1-based): chr10:110,964,851-110,964,852, CT deleted; deleting any 2 consecutive bases within chr10:110,964,847-110,964,852 gives the same sequence; the c. name uses the placement nearest the transcript's 3' end. VCF-style (leftmost placement, unchanged base first): chr10-110964846-ACT-A. GRCh37 (hg19) VCF-style: chr10-112724604-ACT-A.
Other names: c.493_494del, p.Ser164_Leu165insTer (NM_001269039.3, NM_001324336.2, NM_001324337.2); c.493_494delCT (NM_007373.3).
Identifiers: ClinVar variation 561967 (VCV000561967.1), dbSNP rs1564714802, ClinGen allele CA658822727.

ClinVar aggregate classification (germline): Uncertain significance (1 of 4 stars; one submission).

Submission:

GeneDx
Classification: Uncertain significance. Last evaluated: 2018-08-16. Review status: criteria provided, single submitter. Criteria: GeneDx Variant Classification (06012015). Collection method: clinical testing. Allele origin: germline. Affected: yes.
Comment: The L165X variant in the SHOC2 gene has not been reported previously as a pathogenic variant nor as a benign variant, to our knowledge. This variant is predicted to cause loss of normal protein function either through protein truncation or nonsense-mediated mRNA decay. The L165X variant is not observed in large population cohorts (Lek et al., 2016). We interpret L165X as a variant of uncertain significance,